The following is an entry in ClinVar:

ClinVar aggregate classification (germline): Benign/Likely benign. Review status: criteria provided, multiple submitters, no conflicts (2 of 4 stars). 3 submissions from 3 submitters: Benign (1); Likely benign (1). 1 of the submissions does not count toward it. Last evaluated 2019-04-17.

Conditions:
CHAMP1-related disorder. Also called: CHAMP1-related condition.
Intellectual disability. Also called: Intellectual functioning disability; intellectual disabilities; Intellectual developmental disorder. Identifiers: MedGen C3714756, MeSH D008607, MONDO:0001071, HP:0001249.

Allele frequency attached by ClinVar (database versions not stated): ESP Exome Variant Server 0.00023; gnomAD exomes 0.00036 and 0.00042; gnomAD 0.00063 and 0.00060; ExAC 0.00026; 1000 Genomes Project 30x 0.00031; TOPMed 0.00043; 1000 Genomes Project 0.00020.
gnomAD v4.1: 700 of 1,614,110 alleles (0.043%); highest among the groups gnomAD compares: Admixed American, 0.15%; no homozygotes.

Submissions (3):

Cambridge Genomics Laboratory, East Genomic Laboratory Hub, NHS Genomic Medicine Service
Classification: Likely benign for Intellectual disability. Last evaluated: 2019-04-17. Review status: criteria provided, single submitter. Criteria: ACGS Best Practice Guidelines for Variant Classification in Rare Disease 2020. Collection method: clinical testing. Allele origin: germline. Affected: yes. Observed: 1 variant allele.

Labcorp Genetics (formerly Invitae), Labcorp
Classification: Benign. Last evaluated: 2017-12-20. Review status: criteria provided, single submitter. Criteria: Invitae Variant Classification Sherloc (09022015). Collection method: clinical testing. Allele origin: germline.

PreventionGenetics, part of Exact Sciences
Classification: Likely benign for CHAMP1-related condition. Last evaluated: 2024-03-21. Review status: no assertion criteria provided. Collection method: clinical testing. Allele origin: germline. Not counted in ClinVar's aggregate classification.
Comment: This variant is classified as likely benign based on ACMG/AMP sequence variant interpretation guidelines (Richards et al. 2015 PMID: 25741868, with internal and published modifications).

NM_032436.4(CHAMP1):c.494C>T (p.Pro165Leu)

Gene: CHAMP1 (chromosome alignment maintaining phosphoprotein 1; plus strand). Cytogenetic location: 13q34.
Variant type: single nucleotide variant.
Coding change: c.494C>T on transcript NM_032436.4 (MANE Select); coding-DNA position 494, C replaced by T.
Protein change: p.Pro165Leu; replaces proline 165 with leucine.
Molecular consequence: missense variant.
Genome position (GRCh38, 1-based): chr13:114,324,336, C>T. VCF-style: chr13-114324336-C-T. GRCh37 (hg19) VCF-style: chr13-115089811-C-T.
Other names: c.494C>T, p.Pro165Leu (NM_001164144.3, NM_001164145.3); c.494C>T (NM_001164145.2); short protein forms P165L.
Identifiers: ClinVar variation 721121 (VCV000721121.5), dbSNP rs148563449, ClinGen allele CA7070630.